The following is an entry in ClinVar:

NM_007325.5(GRIA3):c.303C>T (p.Ile101=)

Gene: GRIA3 (glutamate ionotropic receptor AMPA type subunit 3; plus strand). Cytogenetic location: Xq25.
Variant type: single nucleotide variant.
Coding change: c.303C>T on transcript NM_007325.5 (MANE Select); coding-DNA position 303, C replaced by T.
Protein change: p.Ile101=; no amino-acid change (isoleucine 101 retained).
Molecular consequence: synonymous variant.
Genome position (GRCh38, 1-based): chrX:123,253,337, C>T. VCF-style: chrX-123253337-C-T. GRCh37 (hg19) VCF-style: chrX-122387188-C-T.
Other names: c.303C>T, p.Ile101= (NM_000828.5).
Identifiers: ClinVar variation 3622352 (VCV003622352.9).

ClinVar aggregate classification (germline): Likely benign. Review status: criteria provided, multiple submitters, no conflicts (2 of 4 stars). 2 submissions from 2 submitters: Likely benign (2). Last evaluated 2025-04-01.

gnomAD v4.1: 11 of 1,206,990 alleles (0.00091%); highest among the groups gnomAD compares: Non-Finnish European, 0.0012%; no homozygotes.

Submissions (2):

CeGaT Center for Human Genetics Tuebingen
Classification: Likely benign. Last evaluated: 2025-04-01. Review status: criteria provided, single submitter. Criteria: CeGaT Center For Human Genetics Tuebingen Variant Classification Criteria Version 2. Collection method: clinical testing. Allele origin: germline. Affected: yes. Observed: 1 variant allele.
Comment: GRIA3: BP4, BP7, BS2

Labcorp Genetics (formerly Invitae), Labcorp
Classification: Likely benign. Last evaluated: 2024-12-12. Review status: criteria provided, single submitter. Criteria: Invitae Variant Classification Sherloc (09022015). Collection method: clinical testing. Allele origin: germline.